The following is an entry in ClinVar:

NM_001378454.1(ALMS1):c.3253C>T (p.Gln1085Ter)

Gene: ALMS1 (ALMS1 centrosome and basal body associated protein; plus strand). Cytogenetic location: 2p13.1.
Variant type: single nucleotide variant.
Coding change: c.3253C>T on transcript NM_001378454.1 (MANE Select); coding-DNA position 3253, C replaced by T.
Protein change: p.Gln1085Ter; replaces glutamine 1085 with a stop codon.
Molecular consequence: nonsense.
Genome position (GRCh38, 1-based): chr2:73,449,780, C>T. VCF-style: chr2-73449780-C-T. GRCh37 (hg19) VCF-style: chr2-73676907-C-T.
Other names: c.3256C>T, p.Gln1086Ter (NM_015120.4); short protein forms Q1086*, Q1085*.
Identifiers: ClinVar variation 2025793 (VCV002025793.4), dbSNP rs769842211, ClinGen allele CA1713488.

ClinVar aggregate classification (germline): Pathogenic (1 of 4 stars; one submission).

Conditions:
Alstrom syndrome (ALMS). Identifiers: Orphanet 64, MedGen C0268425, MONDO:0008763, OMIM 203800.

Allele frequency attached by ClinVar (database versions not stated): gnomAD exomes below 0.00001; ExAC 0.00001.
gnomAD v4.1: 1 of 1,614,088 alleles (0.000062%); highest among the groups gnomAD compares: East Asian, 0.0022%; no homozygotes.

Submission:

Labcorp Genetics (formerly Invitae), Labcorp
Classification: Pathogenic for Alstrom syndrome. Last evaluated: 2022-08-21. Review status: criteria provided, single submitter. Criteria: Invitae Variant Classification Sherloc (09022015). Collection method: clinical testing. Allele origin: germline.
Comment: For these reasons, this variant has been classified as Pathogenic. This variant has not been reported in the literature in individuals affected with ALMS1-related conditions. This variant is present in population databases (rs769842211, gnomAD 0.006%). This sequence change creates a premature translational stop signal (p.Gln1086*) in the ALMS1 gene. It is expected to result in an absent or disrupted protein product. Loss-of-function variants in ALMS1 are known to be pathogenic (PMID: 17594715).

Literature cited by the submitters: PubMed 17594715.